The following is an entry in ClinVar:

NM_005883.3(APC2):c.5962C>T (p.Arg1988Cys)

Gene: APC2 (APC regulator of WNT signaling pathway 2; plus strand). Cytogenetic location: 19p13.3.
Variant type: single nucleotide variant.
Coding change: c.5962C>T on transcript NM_005883.3 (MANE Select); coding-DNA position 5962, C replaced by T.
Protein change: p.Arg1988Cys; replaces arginine 1988 with cysteine.
Molecular consequence: missense variant.
Genome position (GRCh38, 1-based): chr19:1,469,263, C>T. VCF-style: chr19-1469263-C-T. GRCh37 (hg19) VCF-style: chr19-1469262-C-T.
Other names: c.5959C>T, p.Arg1987Cys (NM_001351273.1); short protein forms R1988C, R1987C.
Identifiers: ClinVar variation 2085719 (VCV002085719.1), dbSNP rs1010420988, ClinGen allele CA304082055.
Genomic context (GRCh38, chr19:1,469,263, plus strand): 5'-GGCCGCCTGGGCCTGGTGCGTGTGGCCTCAGCCCTCTCCAGCGGCAGCGAGTCCTCCGAC[C>T]GCTCGGGCTTCCGGCGACAGCTAACCTTCATCAAGGAGTCGCCGGGCTTGCGGCGCCGCC-3'
Protein context (NP_005874.1, residues 1978-1998): ALSSGSESSD[Arg1988Cys]SGFRRQLTFI

ClinVar aggregate classification (germline): Uncertain significance (1 of 4 stars; one submission).

Allele frequency attached by ClinVar (database versions not stated): TOPMed 0.00009; gnomAD 0.00010.
gnomAD v4.1: 158 of 1,426,934 alleles (0.011%); highest among the groups gnomAD compares: Middle Eastern, 0.025%; no homozygotes.

Submission:

Labcorp Genetics (formerly Invitae), Labcorp
Classification: Uncertain significance. Last evaluated: 2022-08-31. Review status: criteria provided, single submitter. Criteria: Invitae Variant Classification Sherloc (09022015). Collection method: clinical testing. Allele origin: germline.
Comment: This sequence change replaces arginine, which is basic and polar, with cysteine, which is neutral and slightly polar, at codon 1988 of the APC2 protein (p.Arg1988Cys). The frequency data for this variant in the population databases is considered unreliable, as metrics indicate poor data quality at this position in the gnomAD database. This variant has not been reported in the literature in individuals affected with APC2-related conditions. Algorithms developed to predict the effect of missense changes on protein structure and function are either unavailable or do not agree on the potential impact of this missense change (SIFT: "Deleterious"; PolyPhen-2: "Probably Damaging"; Align-GVGD: "Class C0"). In summary, the available evidence is currently insufficient to determine the role of this variant in disease. Therefore, it has been classified as a Variant of Uncertain Significance.